The following is an entry in ClinVar:

ClinVar aggregate classification (germline): Likely benign (0 of 4 stars; one submission).

Conditions:
CUL9-related disorder. Also called: CUL9-related condition.

Allele frequency attached by ClinVar (database versions not stated): ExAC 0.00001; gnomAD 0.00001; TOPMed 0.00001; gnomAD exomes 0.00002.
gnomAD v4.1: 27 of 1,613,992 alleles (0.0017%); highest among the groups gnomAD compares: Non-Finnish European, 0.0021%; no homozygotes.

Submission:

PreventionGenetics, part of Exact Sciences
Classification: Likely benign for CUL9-related condition. Last evaluated: 2019-09-06. Review status: no assertion criteria provided. Collection method: clinical testing. Allele origin: germline.
Comment: This variant is classified as likely benign based on ACMG/AMP sequence variant interpretation guidelines (Richards et al. 2015 PMID: 25741868, with internal and published modifications).

NM_015089.4(CUL9):c.5544G>A (p.Leu1848=)

Gene: CUL9 (cullin 9; plus strand). Cytogenetic location: 6p21.1.
Variant type: single nucleotide variant.
Coding change: c.5544G>A on transcript NM_015089.4 (MANE Select); coding-DNA position 5544, G replaced by A.
Protein change: p.Leu1848=; no amino-acid change (leucine 1848 retained).
Molecular consequence: synonymous variant.
Genome position (GRCh38, 1-based): chr6:43,213,768, G>A. VCF-style: chr6-43213768-G-A. GRCh37 (hg19) VCF-style: chr6-43181506-G-A.
Identifiers: ClinVar variation 3039774 (VCV003039774.2), dbSNP rs766066895, ClinGen allele CA3818437.